The following is an entry in ClinVar:

ClinVar aggregate classification (germline): Pathogenic (1 of 4 stars; one submission).

Submission:

GeneDx
Classification: Pathogenic. Last evaluated: 2024-08-25. Review status: criteria provided, single submitter. Criteria: GeneDx Variant Classification Process June 2021. Collection method: clinical testing. Allele origin: germline. Affected: yes.
Comment: Not observed at significant frequency in large population cohorts (gnomAD); In silico analysis supports that this missense variant has a deleterious effect on protein structure/function; Has not been previously published as pathogenic or benign to our knowledge

NM_003482.4(KMT2D):c.16438A>G (p.Asn5480Asp)

Gene: KMT2D (lysine methyltransferase 2D; minus strand). Cytogenetic location: 12q13.12.
Variant type: single nucleotide variant.
Coding change: c.16438A>G on transcript NM_003482.4 (MANE Select); coding-DNA position 16438, A replaced by G.
Protein change: p.Asn5480Asp; replaces asparagine 5480 with aspartic acid.
Molecular consequence: missense variant.
Genome position (GRCh38, 1-based): chr12:49,022,126, T>C on the plus strand (A>G on the coding strand, the complement: KMT2D is on the minus strand). VCF-style: chr12-49022126-T-C. GRCh37 (hg19) VCF-style: chr12-49415909-T-C.
Other names: short protein forms N5480D.
Identifiers: ClinVar variation 3766109 (VCV003766109.1).